The following is an entry in ClinVar:

ClinVar aggregate classification (germline): Uncertain significance. Review status: criteria provided, multiple submitters, no conflicts (2 of 4 stars). 2 submissions from 2 submitters: Uncertain significance (2). Last evaluated 2025-10-29.

Conditions:
Bethlem myopathy 1A. Also called: Bethlem Muscular Dystrophy; MYOPATHY, BENIGN CONGENITAL, WITH CONTRACTURES; Bethlem myopathy 1. Identifiers: Orphanet 610, MedGen CN029274, MONDO:0024530, OMIM 158810.

Allele frequency attached by ClinVar (database versions not stated): TOPMed below 0.00001; gnomAD exomes 0.00001 and 0.00002; ExAC 0.00002.
gnomAD v4.1: 15 of 1,614,124 alleles (0.00093%); highest among the groups gnomAD compares: Non-Finnish European, 0.001%; no homozygotes.

Submissions (2):

Labcorp Genetics (formerly Invitae), Labcorp
Classification: Uncertain significance for Bethlem myopathy 1A. Last evaluated: 2025-10-29. Review status: criteria provided, single submitter. Criteria: Invitae Variant Classification Sherloc (09022015). Collection method: clinical testing. Allele origin: germline.
Comment: This sequence change replaces glycine, which is neutral and non-polar, with aspartic acid, which is acidic and polar, at codon 2368 of the COL6A3 protein (p.Gly2368Asp). This variant is present in population databases (rs746420745, gnomAD 0.009%). This variant has not been reported in the literature in individuals affected with COL6A3-related conditions. ClinVar contains an entry for this variant (Variation ID: 476551). Invitae Evidence Modeling of protein sequence and biophysical properties (such as structural, functional, and spatial information, amino acid conservation, physicochemical variation, residue mobility, and thermodynamic stability) indicates that this missense variant is expected to disrupt COL6A3 protein function with a positive predictive value of 80%. In summary, the available evidence is currently insufficient to determine the role of this variant in disease. Therefore, it has been classified as a Variant of Uncertain Significance.

Revvity Omics, Revvity
Classification: Uncertain significance. Last evaluated: 2024-10-16. Review status: criteria provided, single submitter. Criteria: ACMG Guidelines, 2015. Collection method: clinical testing. Allele origin: germline.

NM_004369.4(COL6A3):c.7103G>A (p.Gly2368Asp)

Gene: COL6A3 (collagen type VI alpha 3 chain; minus strand). Cytogenetic location: 2q37.3.
Variant type: single nucleotide variant.
Coding change: c.7103G>A on transcript NM_004369.4 (MANE Select); coding-DNA position 7103, G replaced by A.
Protein change: p.Gly2368Asp; replaces glycine 2368 with aspartic acid.
Molecular consequence: missense variant.
Genome position (GRCh38, 1-based): chr2:237,345,203, C>T on the plus strand (G>A on the coding strand, the complement: COL6A3 is on the minus strand). VCF-style: chr2-237345203-C-T. GRCh37 (hg19) VCF-style: chr2-238253846-C-T.
Other names: c.5282G>A, p.Gly1761Asp (NM_057166.5); c.6485G>A, p.Gly2162Asp (NM_057167.4); short protein forms G2368D, G1761D, G2162D.
Identifiers: ClinVar variation 476551 (VCV000476551.10), dbSNP rs746420745, ClinGen allele CA2187925.